The following is an entry in ClinVar:

NM_006348.5(COG5):c.1841A>G (p.Glu614Gly)

Gene: COG5 (component of oligomeric golgi complex 5; minus strand). Cytogenetic location: 7q22.3.
Variant type: single nucleotide variant.
Coding change: c.1841A>G on transcript NM_006348.5 (MANE Select); coding-DNA position 1841, A replaced by G.
Protein change: p.Glu614Gly; replaces glutamic acid 614 with glycine.
Molecular consequence: missense variant.
Genome position (GRCh38, 1-based): chr7:107,248,408, T>C on the plus strand (A>G on the coding strand, the complement: COG5 is on the minus strand). VCF-style: chr7-107248408-T-C. GRCh37 (hg19) VCF-style: chr7-106888853-T-C.
Other names: c.1934A>G (NM_006348.3); c.1841A>G, p.Glu614Gly (NM_001161520.2, NM_001379513.1, NM_001379514.1); c.1679A>G, p.Glu560Gly (NM_001379511.1); c.1667A>G, p.Glu556Gly (NM_001379512.1); c.1271A>G, p.Glu424Gly (NM_001379515.1); c.1127A>G, p.Glu376Gly (NM_001379516.1); c.1778A>G, p.Glu593Gly (NM_181733.4); short protein forms E424G, E560G, E614G, E376G, E556G, E593G.
Identifiers: ClinVar variation 2090308 (VCV002090308.2), dbSNP rs2535933836, ClinGen allele CA368940316.

ClinVar aggregate classification (germline): Uncertain significance. Review status: criteria provided, multiple submitters, no conflicts (2 of 4 stars). 2 submissions from 2 submitters: Uncertain significance (2). Last evaluated 2024-10-09.

Conditions:
Inborn genetic diseases. Identifiers: MedGen C0950123, MeSH D030342.
COG5-congenital disorder of glycosylation. Also called: COG5-CDG; CDG IIi; CONGENITAL DISORDER OF GLYCOSYLATION, TYPE IIi. Identifiers: Orphanet 263487, MedGen C3150876, MONDO:0013325, OMIM 613612.

Submissions (2):

Ambry Genetics
Classification: Uncertain significance for Inborn genetic diseases. Last evaluated: 2024-10-09. Review status: criteria provided, single submitter. Criteria: Ambry Variant Classification Scheme 2023. Collection method: clinical testing. Allele origin: germline.

Labcorp Genetics (formerly Invitae), Labcorp
Classification: Uncertain significance for COG5-congenital disorder of glycosylation. Last evaluated: 2022-05-02. Review status: criteria provided, single submitter. Criteria: Invitae Variant Classification Sherloc (09022015). Collection method: clinical testing. Allele origin: germline.
Comment: This sequence change replaces glutamic acid, which is acidic and polar, with glycine, which is neutral and non-polar, at codon 645 of the COG5 protein (p.Glu645Gly). This variant is not present in population databases (gnomAD no frequency). This variant has not been reported in the literature in individuals affected with COG5-related conditions. Algorithms developed to predict the effect of missense changes on protein structure and function (SIFT, PolyPhen-2, Align-GVGD) all suggest that this variant is likely to be disruptive. In summary, the available evidence is currently insufficient to determine the role of this variant in disease. Therefore, it has been classified as a Variant of Uncertain Significance.